The following is an entry in ClinVar:

ClinVar aggregate classification (germline): Uncertain significance (1 of 4 stars; one submission).

Allele frequency attached by ClinVar (database versions not stated): gnomAD 0.00001; TOPMed 0.00001.
gnomAD v4.1: 11 of 1,516,860 alleles (0.00073%); highest among the groups gnomAD compares: South Asian, 0.012%; no homozygotes.

Submission:

Labcorp Genetics (formerly Invitae), Labcorp
Classification: Uncertain significance. Last evaluated: 2022-03-18. Review status: criteria provided, single submitter. Criteria: Invitae Variant Classification Sherloc (09022015). Collection method: clinical testing. Allele origin: germline.
Comment: This sequence change replaces glycine, which is neutral and non-polar, with glutamic acid, which is acidic and polar, at codon 968 of the ZNF469 protein (p.Gly968Glu). This variant is present in population databases (no rsID available, gnomAD 0.005%). This variant has not been reported in the literature in individuals affected with ZNF469-related conditions. Algorithms developed to predict the effect of missense changes on protein structure and function (SIFT, PolyPhen-2, Align-GVGD) all suggest that this variant is likely to be tolerated. In summary, the available evidence is currently insufficient to determine the role of this variant in disease. Therefore, it has been classified as a Variant of Uncertain Significance.

NM_001367624.2(ZNF469):c.2903G>A (p.Gly968Glu)

Gene: ZNF469 (zinc finger protein 469; plus strand). Cytogenetic location: 16q24.2.
Variant type: single nucleotide variant.
Coding change: c.2903G>A on transcript NM_001367624.2 (MANE Select); coding-DNA position 2903, G replaced by A.
Protein change: p.Gly968Glu; replaces glycine 968 with glutamic acid.
Molecular consequence: missense variant.
Genome position (GRCh38, 1-based): chr16:88,430,373, G>A. VCF-style: chr16-88430373-G-A. GRCh37 (hg19) VCF-style: chr16-88496781-G-A.
Other names: short protein forms G968E.
Identifiers: ClinVar variation 2113565 (VCV002113565.1), dbSNP rs1467119919, ClinGen allele CA397076112.